The following is an entry in ClinVar:

ClinVar aggregate classification (germline): Pathogenic. Review status: criteria provided, multiple submitters, no conflicts (2 of 4 stars). 5 submissions from 5 submitters: Pathogenic (4). 1 of the submissions does not count toward it. Last evaluated 2022-08-09.

Conditions:
Congenital disorder of glycosylation type 1E (CDG1E). Also called: CDG Ie; CONGENITAL DISORDER OF GLYCOSYLATION, TYPE Ie. Identifiers: Orphanet 79322, MedGen C1837396, MONDO:0012123, OMIM 608799.
Inborn genetic diseases. Identifiers: MedGen C0950123, MeSH D030342.

Submissions (5):

Labcorp Genetics (formerly Invitae), Labcorp
Classification: Pathogenic for Congenital disorder of glycosylation type 1E. Last evaluated: 2022-08-09. Review status: criteria provided, single submitter. Criteria: Invitae Variant Classification Sherloc (09022015). Collection method: clinical testing. Allele origin: germline.
Comment: This variant is present in population databases (no rsID available, gnomAD 0.002%). For these reasons, this variant has been classified as Pathogenic. ClinVar contains an entry for this variant (Variation ID: 570864). This premature translational stop signal has been observed in individual(s) with congenital disorder of glycosylation type Ie (PMID: 10642597). This sequence change creates a premature translational stop signal (p.Gly111Leufs*45) in the DPM1 gene. It is expected to result in an absent or disrupted protein product. Loss-of-function variants in DPM1 are known to be pathogenic (PMID: 10642597, 10642602).

Mayo Clinic Laboratories, Mayo Clinic
Classification: Pathogenic. Last evaluated: 2022-03-17. Review status: criteria provided, single submitter. Criteria: ACMG Guidelines, 2015. Collection method: clinical testing. Allele origin: germline. Observed: 1 variant allele.
Comment: PM2, PM3_supporting, PS3, PVS1

Ambry Genetics
Classification: Pathogenic for Inborn genetic diseases. Last evaluated: 2021-12-22. Review status: criteria provided, single submitter. Criteria: Ambry Variant Classification Scheme 2023. Collection method: clinical testing. Allele origin: germline.
Comment: The c.331_343del13 (p.G111Lfs*45) alteration, located in exon 4 (coding exon 4) of the DPM1 gene, consists of a deletion of 13 nucleotides from position 331 to 343, causing a translational frameshift with a predicted alternate stop codon after 45 amino acids. This alteration is expected to result in loss of function by premature protein truncation or nonsense-mediated mRNA decay. This variant was not reported in population-based cohorts in the Genome Aggregation Database (gnomAD). This alteration has been reported compound heterozygous in DPM1 with a second alteration in a patient with congenital disorder of glycosylation (KIm, 2000). Based on the available evidence, this alteration is classified as pathogenic.

Victorian Clinical Genetics Services, Murdoch Childrens Research Institute
Classification: Pathogenic for Congenital disorder of glycosylation type 1E. Last evaluated: 2020-10-19. Review status: criteria provided, single submitter. Criteria: ACMG Guidelines, 2015. Collection method: clinical testing. Allele origin: germline. Inheritance: Autosomal recessive inheritance.
Comment: Based on the classification scheme VCGS_Germline_v1.3.3, this variant is classified as Pathogenic. Following criteria are met: 0102 - Loss of function is a known mechanism of disease in this gene and is associated with congenital disorder of glycosylation, type Ie, (MIM#608799) (PMID: 23856421). (I) 0106 - This gene is associated with autosomal recessive disease. (I) 0201 - Variant is predicted to cause nonsense-mediated decay (NMD) and loss of protein (premature termination codon is located at least 54 nucleotides upstream of the final exon-exon junction). (SP) 0251 - This variant is heterozygous. (I) 0304 - Variant is present in gnomAD <0.01 for a recessive condition (2 heterozygotes, 0 homozygotes). (SP) 0703 - Other NMD-predicted variants comparable to the one identified in this case have moderate previous evidence for pathogenicity. Several other NMD-predicted variants have been reported as pathogenic (ClinVar). (SP) 0803 - This variant has limited previous evidence of pathogenicity in unrelated individuals. This variant has been reported as pathogenic (ClinVar) and in a patient with a congenital disorder of glycosylation (PMID: 10642597). (SP) 0905 - No published segregation evidence has been identified for this variant. (I) 1001 - This variant has strong functional evidence supporting abnormal protein function. Functional analysis of patient fibroblasts demonstrated reduced Dol-P-Man enzyme activity (PMID: 10642597). (SP) 1208 - Inheritance information for this variant is not currently available in this individual. (I) Legend: (SP) - Supporting pathogenic, (I) - Information, (SB) - Supporting benign

OMIM
Classification: Pathogenic for CONGENITAL DISORDER OF GLYCOSYLATION, TYPE Ie. Last evaluated: 2000-01-01. Review status: no assertion criteria provided. Collection method: literature only. Allele origin: germline. Not counted in ClinVar's aggregate classification.

Literature cited by the submitters: PubMed 10642597 (cited by 5 submitters); PubMed 10642602 (cited by Labcorp Genetics (formerly Invitae), Labcorp and Ambry Genetics); PubMed 21315133 (cited by Mayo Clinic Laboratories, Mayo Clinic); PubMed 23856421 (cited by Victorian Clinical Genetics Services, Murdoch Childrens Research Institute).

NM_003859.3(DPM1):c.331_343del (p.Gly111fs)

Gene: DPM1 (dolichyl-phosphate mannosyltransferase subunit 1, catalytic; minus strand). Cytogenetic location: 20q13.13.
Variant type: Deletion.
Coding change: c.331_343del on transcript NM_003859.3 (MANE Select); coding-DNA positions 331 to 343, 13 bases deleted (GGAAACTACATCA).
Protein change: p.Gly111fs; shifts the reading frame from glycine 111.
Molecular consequence: frameshift variant. On other transcripts: non-coding transcript variant (1).
Genome position (GRCh38, 1-based): chr20:50,945,876-50,945,888, TGATGTAGTTTCC deleted on the plus strand (GGAAACTACATCA on the coding strand, the reverse complement: DPM1 is on the minus strand); deleting any 13 consecutive bases within chr20:50,945,876-50,945,890 gives the same sequence; the c. name uses the placement nearest the transcript's 3' end. VCF-style (leftmost placement, unchanged base first): chr20-50945875-ATGATGTAGTTTCC-A. GRCh37 (hg19) VCF-style: chr20-49562412-ATGATGTAGTTTCC-A.
Other names: p.Gly111Leufs*45; c.331_343del (NM_003859.2, NM_003859.1); c.331_343del, p.Gly111fs (NM_001317034.1, NM_001317035.1, NM_001317036.1); c.331_343del13 (NM_003859.1); short protein forms G111fs.
Identifiers: ClinVar variation 570864 (VCV000570864.10), dbSNP rs1272097668, ClinGen allele CA510893874.
Genomic context (GRCh38, chr20:50,945,875, plus strand): 5'-ATAAATAGCTAATAAAGAAACATACCACTTACATGGTGTGAGAGATCAGCATCCATAATA[ATGATGTAGTTTCC>A]TGTGGCATGTTTCATTCCATGAATATATGCAGTTCCTAAAAATGAAAGTAGATCCATTCA-3'